The following is an entry in ClinVar:

NM_173076.3(ABCA12):c.3441del (p.Leu1147fs)

Gene: ABCA12 (ATP binding cassette subfamily A member 12; minus strand). Cytogenetic location: 2q35.
Variant type: Deletion.
Coding change: c.3441del on transcript NM_173076.3 (MANE Select); coding-DNA position 3441, one base deleted (G; older notation c.3441delG).
Protein change: p.Leu1147fs; shifts the reading frame from leucine 1147.
Molecular consequence: frameshift variant. On other transcripts: non-coding transcript variant (1).
Genome position (GRCh38, 1-based): chr2:214,990,885, C deleted on the plus strand (G on the coding strand, the reverse complement: ABCA12 is on the minus strand). VCF-style (leftmost placement, unchanged base first): chr2-214990884-AC-A. GRCh37 (hg19) VCF-style: chr2-215855608-AC-A.
Other names: c.2487del, p.Leu829fs (NM_015657.4); short protein forms L1147fs, L829fs.
Identifiers: ClinVar variation 3647392 (VCV003647392.2).

ClinVar aggregate classification (germline): Pathogenic (1 of 4 stars; one submission).

Submission:

Labcorp Genetics (formerly Invitae), Labcorp
Classification: Pathogenic. Last evaluated: 2024-03-24. Review status: criteria provided, single submitter. Criteria: Invitae Variant Classification Sherloc (09022015). Collection method: clinical testing. Allele origin: germline.
Comment: This sequence change creates a premature translational stop signal (p.Leu1147Phefs*15) in the ABCA12 gene. It is expected to result in an absent or disrupted protein product. Loss-of-function variants in ABCA12 are known to be pathogenic (PMID: 20672373). This variant is not present in population databases (gnomAD no frequency). This variant has not been reported in the literature in individuals affected with ABCA12-related conditions. Algorithms developed to predict the effect of sequence changes on RNA splicing suggest that this variant may create or strengthen a splice site. For these reasons, this variant has been classified as Pathogenic.

Literature cited by the submitters: PubMed 20672373.